The following is an entry in ClinVar:

ClinVar aggregate classification (germline): Uncertain significance (1 of 4 stars; one submission).

Submission:

Ambry Genetics
Classification: Uncertain significance. Last evaluated: 2023-10-19. Review status: criteria provided, single submitter. Criteria: Ambry Variant Classification Scheme 2023. Collection method: clinical testing. Allele origin: germline.
Comment: The p.L289V variant (also known as c.865T>G), located in coding exon 9 of the BUB1 gene, results from a T to G substitution at nucleotide position 865. The leucine at codon 289 is replaced by valine, an amino acid with highly similar properties. This amino acid position is conserved. In addition, this alteration is predicted to be tolerated by in silico analysis. Since supporting evidence is limited at this time, the clinical significance of this alteration remains unclear.

NM_004336.5(BUB1):c.865T>G (p.Leu289Val)

Gene: BUB1 (BUB1 mitotic checkpoint serine/threonine kinase; minus strand). Cytogenetic location: 2q13.
Variant type: single nucleotide variant.
Coding change: c.865T>G on transcript NM_004336.5 (MANE Select); coding-DNA position 865, T replaced by G.
Protein change: p.Leu289Val; replaces leucine 289 with valine.
Molecular consequence: missense variant.
Genome position (GRCh38, 1-based): chr2:110,666,355, A>C on the plus strand (T>G on the coding strand, the complement: BUB1 is on the minus strand). VCF-style: chr2-110666355-A-C. GRCh37 (hg19) VCF-style: chr2-111423932-A-C.
Other names: c.805T>G, p.Leu269Val (NM_001278616.2); c.865T>G, p.Leu289Val (NM_001278617.2); short protein forms L269V, L289V.
Identifiers: ClinVar variation 3224124 (VCV003224124.1), dbSNP rs2468026004, ClinGen allele CA348216678.